The following is an entry in ClinVar:

ClinVar aggregate classification (germline): Likely benign. Review status: criteria provided, multiple submitters, no conflicts (2 of 4 stars). 7 submissions from 7 submitters: Likely benign (6). 1 of the submissions does not count toward it. Last evaluated 2026-06-01.

Conditions:
Autosomal dominant familial hematuria-retinal arteriolar tortuosity-contractures syndrome. Also called: Hereditary Angiopathy with Nephropathy, Aneurysms, and Muscle Cramps (HANAC) Syndrome; Angiopathy, hereditary, with nephropathy, aneurysms, and muscle cramps. Identifiers: Orphanet 73229, MedGen C2673195, MONDO:0012726, OMIM 611773.
Hemorrhage, intracerebral, susceptibility to (ICH). Also called: Stroke, hemorrhagic, susceptibility to. Identifiers: MedGen C3281105, MONDO:0100533, OMIM 614519.
Microangiopathy and leukoencephalopathy, pontine, autosomal dominant. Also called: DEMENTIA, HEREDITARY MULTI-INFARCT, SWEDISH TYPE; Pontine autosomal dominant microangiopathy with leukoencephalopathy. Identifiers: Orphanet 477749, MedGen C5231411, MONDO:0032814, OMIM 618564.
Brain small vessel disease 1 with or without ocular anomalies (BSVD1). Also called: Brain small vessel disease with or without ocular anomalies; PORENCEPHALY, TYPE 1, AUTOSOMAL DOMINANT; BRAIN SMALL VESSEL DISEASE WITH HEMORRHAGE; GOULD SYNDROME 1. Identifiers: Orphanet 2940, Orphanet 36383, Orphanet 99810, MedGen C4755307, MONDO:0008289, OMIM 175780.
Retinal arterial tortuosity. Also called: RETINAL HEMORRHAGE WITH VASCULAR TORTUOSITY; Retinal arteries, tortuosity of. Identifiers: Orphanet 75326, MedGen C0423401, MONDO:0008373, OMIM 180000, HP:0000631.

Allele frequency attached by ClinVar (database versions not stated): ExAC 0.00010; gnomAD exomes 0.00012; gnomAD 0.00015 and 0.00017.

Submissions (7):

CeGaT Center for Human Genetics Tuebingen
Classification: Likely benign. Last evaluated: 2026-06-01. Review status: criteria provided, single submitter. Criteria: CeGaT Center For Human Genetics Tuebingen Variant Classification Criteria Version 2. Collection method: clinical testing. Allele origin: germline. Affected: yes. Observed: 4 variant alleles.
Comment: COL4A1: BP4

Labcorp Genetics (formerly Invitae), Labcorp
Classification: Likely benign. Last evaluated: 2026-02-01. Review status: criteria provided, single submitter. Criteria: Invitae Variant Classification Sherloc (09022015). Collection method: clinical testing. Allele origin: germline.

Laboratory of Genetics, Children's Clinical University Hospital Latvia
Classification: Likely benign. Last evaluated: 2025-02-16. Review status: criteria provided, single submitter. Criteria: ACMG Guidelines, 2015. Collection method: clinical testing. Allele origin: germline. Affected: yes.

Blueprint Genetics
Classification: Likely benign. Last evaluated: 2024-11-25. Review status: criteria provided, single submitter. Criteria: ACMG Guidelines, 2015. Collection method: clinical testing. Allele origin: germline.

GeneDx
Classification: Likely benign. Last evaluated: 2022-11-17. Review status: criteria provided, single submitter. Criteria: GeneDx Variant Classification Process June 2021. Collection method: clinical testing. Allele origin: germline. Affected: yes.
Comment: See Variant Classification Assertion Criteria.

Fulgent Genetics
Classification: Likely benign for Brain small vessel disease 1 with or without ocular anomalies; Retinal arterial tortuosity; Autosomal dominant familial hematuria-retinal arteriolar tortuosity-contractures syndrome; Hemorrhage, intracerebral, susceptibility to; Microangiopathy and leukoencephalopathy, pontine, autosomal dominant. Last evaluated: 2022-04-08. Review status: criteria provided, single submitter. Criteria: ACMG Guidelines, 2015. Collection method: clinical testing. Allele origin: unknown.

Clinical Genetics Laboratory, University Hospital Schleswig-Holstein
Classification: Likely pathogenic for Autosomal dominant familial hematuria-retinal arteriolar tortuosity-contractures syndrome. Last evaluated: 2021-08-30. Review status: no assertion criteria provided. Collection method: clinical testing. Allele origin: germline. Affected: yes. Not counted in ClinVar's aggregate classification.

NM_001845.6(COL4A1):c.4756-22_4756-5dup

Gene: COL4A1 (collagen type IV alpha 1 chain; minus strand). Cytogenetic location: 13q34.
Variant type: Duplication.
Coding change: c.4756-22_4756-5dup on transcript NM_001845.6 (MANE Select); 22 bases into the intron before coding-DNA position 4756 through 5 bases into the intron before coding-DNA position 4756, 18 bases duplicated (ACGGCTCGCATCTGTTCT).
Molecular consequence: intron variant.
Genome position (GRCh38, 1-based): chr13:110,152,511-110,152,528, AGAACAGATGCGAGCCGT duplicated on the plus strand (ACGGCTCGCATCTGTTCT on the coding strand, the reverse complement: COL4A1 is on the minus strand). VCF-style (leftmost placement, unchanged base first): chr13-110152510-C-CAGAACAGATGCGAGCCGT. GRCh37 (hg19) VCF-style: chr13-110804857-C-CAGAACAGATGCGAGCCGT.
Other names: c.4756-22_4756-5dupACGGCTCGCATCTGTTCT (NM_001845.6).
Identifiers: ClinVar variation 1317267 (VCV001317267.38), dbSNP rs778511113, ClinGen allele CA7046809.